The following is an entry in ClinVar:

ClinVar aggregate classification (germline): Pathogenic (1 of 4 stars; one submission).

Conditions:
POLG-related disorder. Also called: POLG-Related Spectrum Disorders; POLG-related condition; POLG-Related Disorders. Identifiers: MedGen C4763519.

Submission:

Myriad Genetics, Inc.
Classification: Pathogenic for POLG-related disorder. Last evaluated: 2024-05-25. Review status: criteria provided, single submitter. Criteria: Myriad Autosomal Dominant, Autosomal Recessive and X-Linked Classification Criteria (2023). Collection method: clinical testing. Allele origin: unknown.
Comment: NM_002693.2(POLG):c.982C>T(Q328*) is expected to be pathogenic in the context of POLG-related disorders. This variant is predicted to lead to an abnormal or absent protein product due to the creation of a premature termination codon in POLG, a gene where loss-of-function variants are known to be pathogenic. Please note: this variant was assessed in the context of healthy population screening.

NM_002693.3(POLG):c.982C>T (p.Gln328Ter)

Gene: POLG (DNA polymerase gamma, catalytic subunit; minus strand). Cytogenetic location: 15q26.1.
Variant type: single nucleotide variant.
Coding change: c.982C>T on transcript NM_002693.3 (MANE Select); coding-DNA position 982, C replaced by T.
Protein change: p.Gln328Ter; replaces glutamine 328 with a stop codon.
Molecular consequence: nonsense.
Genome position (GRCh38, 1-based): chr15:89,328,984, G>A on the plus strand (C>T on the coding strand, the complement: POLG is on the minus strand). VCF-style: chr15-89328984-G-A. GRCh37 (hg19) VCF-style: chr15-89872215-G-A.
Other names: c.982C>T, p.Gln328Ter (NM_001126131.2); short protein forms Q328*.
Identifiers: ClinVar variation 5013118 (VCV005013118.1).